The following is an entry in ClinVar:

ClinVar aggregate classification (germline): Conflicting classifications of pathogenicity. Review status: criteria provided, conflicting classifications (1 of 4 stars). 2 submissions from 2 submitters: Uncertain significance (1); Likely benign (1). Last evaluated 2025-10-22.

Conditions:
Inborn genetic diseases. Identifiers: MedGen C0950123, MeSH D030342.

Allele frequency attached by ClinVar (database versions not stated): 1000 Genomes Project 0.00040; TOPMed 0.00028; ExAC 0.00007; gnomAD 0.00023; ESP Exome Variant Server 0.00062; gnomAD exomes 0.00002; 1000 Genomes Project 30x 0.00031.

Submissions (2):

Ambry Genetics
Classification: Likely benign for Inborn genetic diseases. Last evaluated: 2025-10-22. Review status: criteria provided, single submitter. Criteria: Ambry Variant Classification Scheme 2023. Collection method: clinical testing. Allele origin: germline.

Labcorp Genetics (formerly Invitae), Labcorp
Classification: Uncertain significance. Last evaluated: 2023-08-17. Review status: criteria provided, single submitter. Criteria: Invitae Variant Classification Sherloc (09022015). Collection method: clinical testing. Allele origin: germline.
Comment: This sequence change replaces alanine, which is neutral and non-polar, with threonine, which is neutral and polar, at codon 464 of the PLOD3 protein (p.Ala464Thr). This variant is present in population databases (rs150135216, gnomAD 0.08%). This variant has not been reported in the literature in individuals affected with PLOD3-related conditions. ClinVar contains an entry for this variant (Variation ID: 2201184). Advanced modeling of protein sequence and biophysical properties (such as structural, functional, and spatial information, amino acid conservation, physicochemical variation, residue mobility, and thermodynamic stability) performed at Invitae indicates that this missense variant is not expected to disrupt PLOD3 protein function. In summary, the available evidence is currently insufficient to determine the role of this variant in disease. Therefore, it has been classified as a Variant of Uncertain Significance.

NM_001084.5(PLOD3):c.1390G>A (p.Ala464Thr)

Gene: PLOD3 (procollagen-lysine,2-oxoglutarate 5-dioxygenase 3; minus strand). Cytogenetic location: 7q22.1.
Variant type: single nucleotide variant.
Coding change: c.1390G>A on transcript NM_001084.5 (MANE Select); coding-DNA position 1390, G replaced by A.
Protein change: p.Ala464Thr; replaces alanine 464 with threonine.
Molecular consequence: missense variant.
Genome position (GRCh38, 1-based): chr7:101,210,642, C>T on the plus strand (G>A on the coding strand, the complement: PLOD3 is on the minus strand). VCF-style: chr7-101210642-C-T. GRCh37 (hg19) VCF-style: chr7-100853923-C-T.
Other names: c.1390G>A (NM_001084.4); short protein forms A464T.
Identifiers: ClinVar variation 2201184 (VCV002201184.3), dbSNP rs150135216, ClinGen allele CA4407689.
Genomic context (GRCh38, chr7:101,210,642, plus strand): 5'-CCGAGAACACATCCCTCTGGGGCAGCTCCATCCGCAGGGTATCACCCCGGATCACATAGG[C>T]CTGGGAGATGTATGGTACATTCCACACACCCCTGGAGGCACCGACACCGCGGTCAGCTGG-3'
Protein context (NP_001075.1, residues 454-474): GVWNVPYISQ[Ala464Thr]YVIRGDTLRM